The following is an entry in ClinVar:

NM_000090.4(COL3A1):c.2689G>T (p.Gly897Cys)

Gene: COL3A1 (collagen type III alpha 1 chain; plus strand). Cytogenetic location: 2q32.2.
Variant type: single nucleotide variant.
Coding change: c.2689G>T on transcript NM_000090.4 (MANE Select); coding-DNA position 2689, G replaced by T.
Protein change: p.Gly897Cys; replaces glycine 897 with cysteine.
Molecular consequence: missense variant.
Genome position (GRCh38, 1-based): chr2:189,004,009, G>T. VCF-style: chr2-189004009-G-T. GRCh37 (hg19) VCF-style: chr2-189868735-G-T.
Other names: short protein forms G897C.
Identifiers: ClinVar variation 4005347 (VCV004005347.1).
Genomic context (GRCh38, chr2:189,004,009, plus strand): 5'-ATAAATATTCAAATTTCAAACAATTATTTGTAGGGTAACCCAGGACCCCCAGGTCCCAGC[G>T]GTTCTCCAGGCAAGGATGGGCCCCCAGGTCCTGCGGGTAACACTGGTGCTCCTGGCAGCC-3'
Protein context (NP_000081.2, residues 887-907): NGNPGPPGPS[Gly897Cys]SPGKDGPPGP

ClinVar aggregate classification (germline): Likely pathogenic (1 of 4 stars; one submission).

Conditions:
Familial thoracic aortic aneurysm and aortic dissection (TAAD). Also called: Thoracic aortic aneurysms and dissections. Identifiers: Orphanet 91387, MedGen C4707243, MONDO:0019625.

Submission:

Ambry Genetics
Classification: Likely pathogenic for Familial thoracic aortic aneurysm and aortic dissection. Last evaluated: 2025-04-08. Review status: criteria provided, single submitter. Criteria: Ambry Variant Classification Scheme 2023. Collection method: clinical testing. Allele origin: germline.
Comment: The p.G897C variant (also known as c.2689G>T), located in coding exon 39 of the COL3A1 gene, results from a G to T substitution at nucleotide position 2689. The glycine at codon 897 is replaced by cysteine, an amino acid with highly dissimilar properties. The majority (approximately two-thirds) of COL3A1 mutations identified to date have involved the substitution of another amino acid for glycine within the triple-helical domain (Pepin MG et al. Genet Med. 2014;16(12):881-8; Frank M et al. Eur J Hum Genet. 2015;23(12):1657-64). This variant was reported in individual(s) with features consistent with COL3A1-related Ehlers-Danlos syndrome (Ambry internal data). Internal structural analysis indicates that this alteration disrupts the characteristic G-X-Y motif in the COL3A1 protein and inserts a bulky side chain into a sterically-constrained region (Bella J et al. Science. 1994;266:75-81; Hohenester E et al. Proc. Natl. Acad. Sci. U.S.A. 2008;105:18273-7; Ambry internal data). This amino acid position is highly conserved in available vertebrate species. In addition, this alteration is predicted to be deleterious by in silico analysis. This variant is considered to be rare based on population cohorts in the Genome Aggregation Database (gnomAD). Based on the majority of available evidence to date, this variant is likely to be pathogenic.